The following is an entry in ClinVar:

NM_144638.3(TMEM42):c.312A>G (p.Thr104=)

Genes: KIF15 (kinesin family member 15; plus strand), TMEM42 (transmembrane protein 42; plus strand). Cytogenetic location: 3p21.31.
Variant type: single nucleotide variant.
Coding change: c.312A>G on transcript NM_144638.3 (MANE Select); coding-DNA position 312, A replaced by G.
Protein change: p.Thr104=; no amino-acid change (threonine 104 retained).
Molecular consequence: synonymous variant.
Genome position (GRCh38, 1-based): chr3:44,864,316, A>G. VCF-style: chr3-44864316-A-G. GRCh37 (hg19) VCF-style: chr3-44905808-A-G.
Identifiers: ClinVar variation 4281428 (VCV004281428.7).
Genomic context (GRCh38, chr3:44,864,316, plus strand): 5'-GTGGACCTTCTTTAGCCGGGGCCTCAGTTTCTCCATGTCTTCAGCCATTGCATCTGTCAC[A>G]GTGACTTTTTCAAATATCCTCAGCTCGGTGAGTAGCCTGAGGGTGTGGTGCTCTTGTCCT-3'
Protein context (NP_653239.1, residues 94-114): FSMSSAIASV[Thr104=]VTFSNILSSA

ClinVar aggregate classification (germline): Likely benign (1 of 4 stars; one submission).

gnomAD v4.1: 5 of 1,614,054 alleles (0.00031%); highest among the groups gnomAD compares: Non-Finnish European, 0.00042%; no homozygotes.

Submission:

CeGaT Center for Human Genetics Tuebingen
Classification: Likely benign. Last evaluated: 2025-09-01. Review status: criteria provided, single submitter. Criteria: CeGaT Center For Human Genetics Tuebingen Variant Classification Criteria Version 2. Collection method: clinical testing. Allele origin: germline. Affected: yes. Observed: 1 variant allele.
Comment: TMEM42: BP4, BP7